The following is an entry in ClinVar:

NM_002878.4(RAD51D):c.175G>T (p.Ala59Ser)

Genes: RAD51L3-RFFL (RAD51L3-RFFL readthrough; minus strand), RAD51D (RAD51 paralog D; minus strand). Cytogenetic location: 17q12.
Variant type: single nucleotide variant.
Coding change: c.175G>T on transcript NM_002878.4 (MANE Select); coding-DNA position 175, G replaced by T.
Protein change: p.Ala59Ser; replaces alanine 59 with serine.
Molecular consequence: missense variant. On other transcripts: intron variant (2).
Genome position (GRCh38, 1-based): chr17:35,118,589, C>A on the plus strand (G>T on the coding strand, the complement: RAD51D is on the minus strand). VCF-style: chr17-35118589-C-A. GRCh37 (hg19) VCF-style: chr17-33445608-C-A.
Other names: c.144+522G>T (NM_133629.3, NM_001142571.2); short protein forms A59S.
Identifiers: ClinVar variation 3429748 (VCV003429748.1).

ClinVar aggregate classification (germline): Uncertain significance (1 of 4 stars; one submission).

Conditions:
Hereditary cancer-predisposing syndrome. Also called: Neoplastic Syndromes, Hereditary; Tumor predisposition; Hereditary Cancer Syndrome; Hereditary neoplastic syndrome. Identifiers: Orphanet 140162, MedGen C0027672, MeSH D009386, MONDO:0015356.

Submission:

Ambry Genetics
Classification: Uncertain significance for Hereditary cancer-predisposing syndrome. Last evaluated: 2024-09-05. Review status: criteria provided, single submitter. Criteria: Ambry Variant Classification Scheme 2023. Collection method: clinical testing. Allele origin: germline.
Comment: The c.175G>T variant (also known as p.A59S), located in coding exon 3 of the RAD51D gene, results from a G to T substitution at nucleotide position 175. The alanine at codon 59 is replaced by serine, an amino acid with similar properties. On a minigene assay, this alteration showed incomplete splicing (Bueno-Mart&iacute;nez E et al. Cancers (Basel), 2021 Jun;13:). This nucleotide position is highly conserved in available vertebrate species. This amino acid position is highly conserved in available vertebrate species. In silico splice site analysis predicts that this alteration may result in the creation or strengthening of a novel splice acceptor site; however, direct evidence is insufficient at this time (Ambry internal data). In addition, as a missense substitution this is predicted to be tolerated by in silico analysis. Based on the available evidence, the clinical significance of this variant remains unclear.

Literature cited by the submitters: PubMed 34200360.